The following is an entry in ClinVar:

NM_014363.6(SACS):c.10769G>T (p.Gly3590Val)

Gene: SACS (sacsin molecular chaperone; minus strand). Cytogenetic location: 13q12.12.
Variant type: single nucleotide variant.
Coding change: c.10769G>T on transcript NM_014363.6 (MANE Select); coding-DNA position 10769, G replaced by T.
Protein change: p.Gly3590Val; replaces glycine 3590 with valine.
Molecular consequence: missense variant.
Genome position (GRCh38, 1-based): chr13:23,333,107, C>A on the plus strand (G>T on the coding strand, the complement: SACS is on the minus strand). VCF-style: chr13-23333107-C-A. GRCh37 (hg19) VCF-style: chr13-23907246-C-A.
Other names: c.10328G>T, p.Gly3443Val (NM_001278055.2); short protein forms G3590V, G3443V.
Identifiers: ClinVar variation 3711582 (VCV003711582.2).

ClinVar aggregate classification (germline): Uncertain significance (1 of 4 stars; one submission).

Conditions:
Spastic paraplegia. Identifiers: MedGen C0037772, HP:0001258.

Submission:

Labcorp Genetics (formerly Invitae), Labcorp
Classification: Uncertain significance for Spastic paraplegia. Last evaluated: 2024-11-19. Review status: criteria provided, single submitter. Criteria: Invitae Variant Classification Sherloc (09022015). Collection method: clinical testing. Allele origin: germline.
Comment: This sequence change replaces glycine, which is neutral and non-polar, with valine, which is neutral and non-polar, at codon 3590 of the SACS protein (p.Gly3590Val). This variant is not present in population databases (gnomAD no frequency). This variant has not been reported in the literature in individuals affected with SACS-related conditions. Invitae Evidence Modeling of protein sequence and biophysical properties (such as structural, functional, and spatial information, amino acid conservation, physicochemical variation, residue mobility, and thermodynamic stability) indicates that this missense variant is expected to disrupt SACS protein function with a positive predictive value of 95%. In summary, the available evidence is currently insufficient to determine the role of this variant in disease. Therefore, it has been classified as a Variant of Uncertain Significance.